The following is an entry in ClinVar:

NM_004990.4(MARS1):c.379A>G (p.Ser127Gly)

Gene: MARS1 (methionyl-tRNA synthetase 1; plus strand). Cytogenetic location: 12q13.3.
Variant type: single nucleotide variant.
Coding change: c.379A>G on transcript NM_004990.4 (MANE Select); coding-DNA position 379, A replaced by G.
Protein change: p.Ser127Gly; replaces serine 127 with glycine.
Molecular consequence: missense variant.
Genome position (GRCh38, 1-based): chr12:57,489,523, A>G. VCF-style: chr12-57489523-A-G. GRCh37 (hg19) VCF-style: chr12-57883306-A-G.
Other names: c.379A>G (NM_004990.3); short protein forms S127G.
Identifiers: ClinVar variation 1681690 (VCV001681690.7), dbSNP rs1046282755, ClinGen allele CA237807311.
Genomic context (GRCh38, chr12:57,489,523, plus strand): 5'-GGCAAGAAGGGGGAAGATGTTCTTGGTTCAGTGCGGAGAGCCCTGACTCACATTGACCAC[A>G]GCTTGAGTCGTCAGAACTGTCCTTTCCTGGCTGGGGTGAGTTGGGTCTTGAGATGAGGAC-3'
Protein context (NP_004981.2, residues 117-137): VRRALTHIDH[Ser127Gly]LSRQNCPFLA

ClinVar aggregate classification (germline): Uncertain significance. Review status: criteria provided, multiple submitters, no conflicts (2 of 4 stars). 2 submissions from 2 submitters: Uncertain significance (2). Last evaluated 2023-10-27.

Conditions:
Severe early-onset pulmonary alveolar proteinosis due to MARS deficiency. Also called: PULMONARY ALVEOLAR PROTEINOSIS, REUNION ISLAND; Interstitial lung and liver disease. Identifiers: Orphanet 440427, MedGen C4225400, MONDO:0014206, OMIM 615486.
Charcot-Marie-Tooth disease axonal type 2U. Also called: CHARCOT-MARIE-TOOTH NEUROPATHY, TYPE 2U; CHARCOT-MARIE-TOOTH DISEASE, AXONAL, AUTOSOMAL DOMINANT, TYPE 2U. Identifiers: Orphanet 397735, MedGen C4084821, MONDO:0014566, OMIM 616280.

Submissions (2):

Ambry Genetics
Classification: Uncertain significance. Last evaluated: 2023-10-27. Review status: criteria provided, single submitter. Criteria: Ambry Variant Classification Scheme 2023. Collection method: clinical testing. Allele origin: germline.

Labcorp Genetics (formerly Invitae), Labcorp
Classification: Uncertain significance for Charcot-Marie-Tooth disease axonal type 2U; Severe early-onset pulmonary alveolar proteinosis due to MARS deficiency. Last evaluated: 2021-08-01. Review status: criteria provided, single submitter. Criteria: Invitae Variant Classification Sherloc (09022015). Collection method: clinical testing. Allele origin: germline.
Comment: Algorithms developed to predict the effect of missense changes on protein structure and function (SIFT, PolyPhen-2, Align-GVGD) all suggest that this variant is likely to be tolerated. This sequence change replaces serine with glycine at codon 127 of the MARS protein (p.Ser127Gly). The serine residue is moderately conserved and there is a small physicochemical difference between serine and glycine. This variant is not present in population databases (ExAC no frequency). This variant has not been reported in the literature in individuals affected with MARS-related conditions. In summary, the available evidence is currently insufficient to determine the role of this variant in disease. Therefore, it has been classified as a Variant of Uncertain Significance.